The following is an entry in ClinVar:

NM_003193.5(TBCE):c.661-1170G>C

Gene: TBCE (tubulin folding cofactor E; plus strand). Cytogenetic location: 1q42.3.
Variant type: single nucleotide variant.
Coding change: c.661-1170G>C on transcript NM_003193.5 (MANE Select); 1170 bases into the intron before coding-DNA position 661, G replaced by C.
Molecular consequence: intron variant. On other transcripts: missense variant (1).
Genome position (GRCh38, 1-based): chr1:235,433,034, G>C. VCF-style: chr1-235433034-G-C. GRCh37 (hg19) VCF-style: chr1-235596349-G-C.
Other names: c.749G>C, p.Cys250Ser (NM_001287801.2); c.661-1170G>C (NM_001079515.3); c.322-1170G>C (NM_001287802.2); short protein forms C250S.
Identifiers: ClinVar variation 1803367 (VCV001803367.1), dbSNP rs753308633, ClinGen allele CA1464135.

ClinVar aggregate classification (germline): Uncertain significance (1 of 4 stars; one submission).

Allele frequency attached by ClinVar (database versions not stated): gnomAD 0.00003; gnomAD exomes 0.00003; ExAC 0.00006.
gnomAD v4.1: 50 of 1,545,924 alleles (0.0032%); highest among the groups gnomAD compares: Admixed American, 0.019%; no homozygotes.

Submission:

GeneDx
Classification: Uncertain significance. Last evaluated: 2022-06-07. Review status: criteria provided, single submitter. Criteria: GeneDx Variant Classification Process June 2021. Collection method: clinical testing. Allele origin: germline. Affected: yes.
Comment: In silico analysis supports that this variant does not alter splicing; Has not been previously published as pathogenic or benign to our knowledge